The following is an entry in ClinVar:

NM_018112.3(TMEM38B):c.113-271A>G

Gene: TMEM38B (transmembrane protein 38B; plus strand). Cytogenetic location: 9q31.2.
Variant type: single nucleotide variant.
Coding change: c.113-271A>G on transcript NM_018112.3 (MANE Select); 271 bases into the intron before coding-DNA position 113, A replaced by G.
Molecular consequence: intron variant.
Genome position (GRCh38, 1-based): chr9:105,705,326, A>G. VCF-style: chr9-105705326-A-G. GRCh37 (hg19) VCF-style: chr9-108467607-A-G.
Identifiers: ClinVar variation 669658 (VCV000669658.1), dbSNP rs7029124, ClinGen allele CA16370712.

ClinVar aggregate classification (germline): Benign (1 of 4 stars; one submission).

Allele frequency attached by ClinVar (database versions not stated): gnomAD 0.20990 and 0.21106; TOPMed 0.22813; 1000 Genomes Project 0.29633; 1000 Genomes Project 30x 0.29841.
gnomAD v4.1: 31,753 of 152,118 alleles (21%); highest among the groups gnomAD compares: East Asian, 46%; 5,134 homozygotes.

Submission:

GeneDx
Classification: Benign. Last evaluated: 2018-06-14. Review status: criteria provided, single submitter. Criteria: GeneDx Variant Classification (06012015). Collection method: clinical testing. Allele origin: germline. Affected: yes.
Comment: This variant is considered likely benign or benign based on one or more of the following criteria: it is a conservative change, it occurs at a poorly conserved position in the protein, it is predicted to be benign by multiple in silico algorithms, and/or has population frequency not consistent with disease.